The following is an entry in ClinVar:

ClinVar aggregate classification (germline): Uncertain significance. Review status: criteria provided, multiple submitters, no conflicts (2 of 4 stars). 2 submissions from 2 submitters: Uncertain significance (2). Last evaluated 2025-01-01.

Conditions:
Familial focal epilepsy with variable foci (FPEVF). Identifiers: Orphanet 98820, MedGen C1858477, MONDO:0020310.

Allele frequency attached by ClinVar (database versions not stated): gnomAD exomes below 0.00001.
gnomAD v4.1: 1 of 1,613,290 alleles (0.000062%); highest among the groups gnomAD compares: Non-Finnish European, 0.000085%; no homozygotes.

Submissions (2):

CeGaT Center for Human Genetics Tuebingen
Classification: Uncertain significance. Last evaluated: 2025-01-01. Review status: criteria provided, single submitter. Criteria: CeGaT Center For Human Genetics Tuebingen Variant Classification Criteria Version 2. Collection method: clinical testing. Allele origin: germline. Affected: yes. Observed: 1 variant allele.
Comment: DEPDC5: PM2, PP2

Labcorp Genetics (formerly Invitae), Labcorp
Classification: Uncertain significance for Familial focal epilepsy with variable foci. Last evaluated: 2022-02-04. Review status: criteria provided, single submitter. Criteria: Invitae Variant Classification Sherloc (09022015). Collection method: clinical testing. Allele origin: germline.
Comment: This sequence change replaces tyrosine, which is neutral and polar, with cysteine, which is neutral and slightly polar, at codon 408 of the DEPDC5 protein (p.Tyr408Cys). In summary, the available evidence is currently insufficient to determine the role of this variant in disease. Therefore, it has been classified as a Variant of Uncertain Significance. Algorithms developed to predict the effect of missense changes on protein structure and function are either unavailable or do not agree on the potential impact of this missense change (SIFT: "Deleterious"; PolyPhen-2: "Not Available"; Align-GVGD: "Class C65"). ClinVar contains an entry for this variant (Variation ID: 640822). This missense change has been observed in individual(s) with clinical features of DEPDC5-related conditions (Invitae). This variant is not present in population databases (gnomAD no frequency).

NM_001242896.3(DEPDC5):c.1223A>G (p.Tyr408Cys)

Gene: DEPDC5 (DEP domain containing 5, GATOR1 subcomplex subunit; plus strand). Cytogenetic location: 22q12.3.
Variant type: single nucleotide variant.
Coding change: c.1223A>G on transcript NM_001242896.3 (MANE Select); coding-DNA position 1223, A replaced by G.
Protein change: p.Tyr408Cys; replaces tyrosine 408 with cysteine.
Molecular consequence: missense variant. On other transcripts: non-coding transcript variant (5).
Genome position (GRCh38, 1-based): chr22:31,806,127, A>G. VCF-style: chr22-31806127-A-G. GRCh37 (hg19) VCF-style: chr22-32202113-A-G.
Other names: c.1223A>G, p.Tyr408Cys (NM_001007188.4, NM_001136029.4, NM_001242897.2 and 7 more transcripts); c.1139A>G, p.Tyr380Cys (NM_001369901.1, NM_001369902.1); short protein forms Y380C, Y408C.
Identifiers: ClinVar variation 640822 (VCV000640822.23), dbSNP rs1602010347, ClinGen allele CA411276330.